The following is an entry in ClinVar:

NM_002691.4(POLD1):c.1436T>C (p.Phe479Ser)

Gene: POLD1 (DNA polymerase delta 1, catalytic subunit; plus strand). Cytogenetic location: 19q13.33.
Variant type: single nucleotide variant.
Coding change: c.1436T>C on transcript NM_002691.4 (MANE Select); coding-DNA position 1436, T replaced by C.
Protein change: p.Phe479Ser; replaces phenylalanine 479 with serine.
Molecular consequence: missense variant. On other transcripts: non-coding transcript variant (1).
Genome position (GRCh38, 1-based): chr19:50,406,459, T>C. VCF-style: chr19-50406459-T-C. GRCh37 (hg19) VCF-style: chr19-50909716-T-C.
Other names: c.1436T>C, p.Phe479Ser (NM_001256849.1, NM_001308632.1); short protein forms F479S.
Identifiers: ClinVar variation 1772627 (VCV001772627.2), dbSNP rs2513994906, ClinGen allele CA406980194.

ClinVar aggregate classification (germline): Uncertain significance (1 of 4 stars; one submission).

Conditions:
Hereditary cancer-predisposing syndrome. Also called: Hereditary Cancer Syndrome; Hereditary neoplastic syndrome; Neoplastic Syndromes, Hereditary; Tumor predisposition. Identifiers: Orphanet 140162, MedGen C0027672, MeSH D009386, MONDO:0015356.

Submission:

Ambry Genetics
Classification: Uncertain significance for Hereditary cancer-predisposing syndrome. Last evaluated: 2021-01-13. Review status: criteria provided, single submitter. Criteria: Ambry Variant Classification Scheme 2023. Collection method: clinical testing. Allele origin: germline.
Comment: The p.F479S variant (also known as c.1436T>C), located in coding exon 11 of the POLD1 gene, results from a T to C substitution at nucleotide position 1436. The phenylalanine at codon 479 is replaced by serine, an amino acid with highly dissimilar properties. This amino acid position is well conserved in available vertebrate species. In addition, this alteration is predicted to be tolerated by in silico analysis. Since supporting evidence is limited at this time, the clinical significance of this alteration remains unclear.